The following is an entry in ClinVar:

NM_001510.4(GRID2):c.905A>G (p.Asn302Ser)

Gene: GRID2 (glutamate ionotropic receptor delta type subunit 2; plus strand). Cytogenetic location: 4q22.2.
Variant type: single nucleotide variant.
Coding change: c.905A>G on transcript NM_001510.4 (MANE Select); coding-DNA position 905, A replaced by G.
Protein change: p.Asn302Ser; replaces asparagine 302 with serine.
Molecular consequence: missense variant.
Genome position (GRCh38, 1-based): chr4:93,216,853, A>G. VCF-style: chr4-93216853-A-G. GRCh37 (hg19) VCF-style: chr4-94138004-A-G.
Other names: c.620A>G, p.Asn207Ser (NM_001286838.1); short protein forms N302S, N207S.
Identifiers: ClinVar variation 3641578 (VCV003641578.2).
Genomic context (GRCh38, chr4:93,216,853, plus strand): 5'-CGATTATTCGGCAGACATTTCCAGTTCCCCAGAACATAAGTCAGCGGTGTTTCCGTGGCA[A>G]CCATCGAATATCTTCAACATTGTGTGATCCAAAGGATCCATTTGCTCAGAATATGGAGGT-3'
Protein context (NP_001501.2, residues 292-312): QNISQRCFRG[Asn302Ser]HRISSTLCDP

ClinVar aggregate classification (germline): Uncertain significance (1 of 4 stars; one submission).

gnomAD v4.1: 7 of 1,613,162 alleles (0.00043%); highest among the groups gnomAD compares: African/African-American, 0.0013%; no homozygotes.

Submission:

Labcorp Genetics (formerly Invitae), Labcorp
Classification: Uncertain significance. Last evaluated: 2025-02-02. Review status: criteria provided, single submitter. Criteria: Invitae Variant Classification Sherloc (09022015). Collection method: clinical testing. Allele origin: germline.
Comment: This sequence change replaces asparagine, which is neutral and polar, with serine, which is neutral and polar, at codon 302 of the GRID2 protein (p.Asn302Ser). This variant is present in population databases (rs182789669, gnomAD 0.0009%). This variant has not been reported in the literature in individuals affected with GRID2-related conditions. Invitae Evidence Modeling of protein sequence and biophysical properties (such as structural, functional, and spatial information, amino acid conservation, physicochemical variation, residue mobility, and thermodynamic stability) indicates that this missense variant is not expected to disrupt GRID2 protein function with a negative predictive value of 80%. In summary, the available evidence is currently insufficient to determine the role of this variant in disease. Therefore, it has been classified as a Variant of Uncertain Significance.